The following is an entry in ClinVar:

ClinVar aggregate classification (germline): Pathogenic (1 of 4 stars; one submission).

Submission:

Baylor Genetics
Classification: Pathogenic. Last evaluated: 2018-11-01. Review status: criteria provided, single submitter. Criteria: ACMG CNV Guidelines, 2011. Collection method: clinical testing. Allele origin: de novo. Observed: 1 variant allele.

GRCh37/hg19 1q42.11-42.12(chr1:224340881-225147932)

Genes: CNIH3 (cornichon family AMPA receptor auxiliary protein 3; plus strand), CNIH4 (cornichon family AMPA receptor auxiliary protein 4; plus strand), DEGS1 (delta 4-desaturase, sphingolipid 1; plus strand), DNAH14 (dynein axonemal heavy chain 14; plus strand), FBXO28 (F-box protein 28; plus strand) and 2 more. Cytogenetic location: 1q42.11-42.12.
Variant type: copy number loss.
Identifiers: ClinVar variation 625540 (VCV000625540.1).